The following is an entry in ClinVar:

NM_001040142.2(SCN2A):c.3091A>C (p.Arg1031=)

Gene: SCN2A (sodium voltage-gated channel alpha subunit 2; plus strand). Cytogenetic location: 2q24.3.
Variant type: single nucleotide variant.
Coding change: c.3091A>C on transcript NM_001040142.2 (MANE Select); coding-DNA position 3091, A replaced by C.
Protein change: p.Arg1031=; no amino-acid change (arginine 1031 retained).
Molecular consequence: synonymous variant.
Genome position (GRCh38, 1-based): chr2:165,354,363, A>C. VCF-style: chr2-165354363-A-C. GRCh37 (hg19) VCF-style: chr2-166210873-A-C.
Other names: c.3091A>C (NM_021007.2); c.3091A>C, p.Arg1031= (NM_001040143.2, NM_001371246.1, NM_001371247.1 and 1 more transcripts).
Identifiers: ClinVar variation 1603591 (VCV001603591.9), dbSNP rs1700076343, ClinGen allele CA429885678.
Genomic context (GRCh38, chr2:165,354,363, plus strand): 5'-CAGAAAGGAATCGATTTTGTTAAAAGAAAAATACGTGAATTTATTCAGAAAGCCTTTGTT[A>C]GGAAGCAGAAAGCTTTAGATGAAATTAAACCGCTTGAAGATCTAAATAATAAAAAAGACA-3'
Protein context (NP_001035232.1, residues 1021-1041): IREFIQKAFV[Arg1031=]KQKALDEIKP

ClinVar aggregate classification (germline): Likely benign. Review status: criteria provided, multiple submitters, no conflicts (2 of 4 stars). 2 submissions from 2 submitters: Likely benign (2). Last evaluated 2024-12-22.

Conditions:
SCN2A-related disorder. Also called: SCN2A-related condition; SCN2A-related disorders. Identifiers: MedGen CN382226, MONDO:1060245.
Seizures, benign familial infantile, 3 (BFIS3). Also called: CONVULSIONS, BENIGN FAMILIAL INFANTILE, 3; Familial neonatal seizures. Identifiers: Orphanet 140927, Orphanet 306, MedGen C1843140, MONDO:0011904, OMIM 607745.
Developmental and epileptic encephalopathy, 11 (DEE11). Also called: Early infantile epileptic encephalopathy 11. Identifiers: Orphanet 1934, MedGen C3150987, MONDO:0013388, OMIM 613721.

gnomAD v4.1: 1 of 1,614,068 alleles (0.000062%); no homozygotes.

Submissions (2):

PreventionGenetics, part of Exact Sciences
Classification: Likely benign for SCN2A-related condition. Last evaluated: 2024-12-22. Review status: criteria provided, single submitter. Criteria: ACMG Guidelines, 2015. Collection method: clinical testing. Allele origin: germline.
Comment: This variant is classified as likely benign based on ACMG/AMP sequence variant interpretation guidelines (Richards et al. 2015 PMID: 25741868, with internal and published modifications).

Labcorp Genetics (formerly Invitae), Labcorp
Classification: Likely benign for Seizures, benign familial infantile, 3; Developmental and epileptic encephalopathy, 11. Last evaluated: 2024-12-17. Review status: criteria provided, single submitter. Criteria: Invitae Variant Classification Sherloc (09022015). Collection method: clinical testing. Allele origin: germline.